The following is an entry in ClinVar:

ClinVar aggregate classification (germline): Benign/Likely benign. Review status: criteria provided, multiple submitters, no conflicts (2 of 4 stars). 3 submissions from 3 submitters: Benign (1); Likely benign (2). Last evaluated 2025-05-01.

Conditions:
KBG syndrome (KBGS). Also called: ANKRD11-Related KBG Syndrome. Identifiers: Orphanet 2332, MedGen C0220687, MONDO:0007846, OMIM 148050.

gnomAD v4.1: 28 of 1,613,864 alleles (0.0017%); highest among the groups gnomAD compares: Non-Finnish European, 0.0022%; no homozygotes.

Submissions (3):

CeGaT Center for Human Genetics Tuebingen
Classification: Likely benign. Last evaluated: 2025-05-01. Review status: criteria provided, single submitter. Criteria: CeGaT Center For Human Genetics Tuebingen Variant Classification Criteria Version 2. Collection method: clinical testing. Allele origin: germline. Affected: yes. Observed: 1 variant allele.
Comment: ANKRD11: BP4, BP7

Labcorp Genetics (formerly Invitae), Labcorp
Classification: Benign for KBG syndrome. Last evaluated: 2025-04-05. Review status: criteria provided, single submitter. Criteria: Invitae Variant Classification Sherloc (09022015). Collection method: clinical testing. Allele origin: germline.

Blueprint Genetics
Classification: Likely benign. Last evaluated: 2023-12-15. Review status: criteria provided, single submitter. Criteria: ACMG Guidelines, 2015. Collection method: clinical testing. Allele origin: germline.

NM_013275.6(ANKRD11):c.969C>T (p.Phe323=)

Gene: ANKRD11 (ankyrin repeat domain 11; minus strand). Cytogenetic location: 16q24.3.
Variant type: single nucleotide variant.
Coding change: c.969C>T on transcript NM_013275.6 (MANE Select); coding-DNA position 969, C replaced by T.
Protein change: p.Phe323=; no amino-acid change (phenylalanine 323 retained).
Molecular consequence: synonymous variant.
Genome position (GRCh38, 1-based): chr16:89,285,573, G>A on the plus strand (C>T on the coding strand, the complement: ANKRD11 is on the minus strand). VCF-style: chr16-89285573-G-A. GRCh37 (hg19) VCF-style: chr16-89351981-G-A.
Other names: c.969C>T, p.Phe323= (NM_001256182.2, NM_001256183.2).
Identifiers: ClinVar variation 3905337 (VCV003905337.12).
Genomic context (GRCh38, chr16:89,285,573, plus strand): 5'-GACGGGGGCCGTGGCCTTCTGTGGCTCTGGGTTCTTGGCCTTGTGCTTGAGGCCTTTTTC[G>A]AACTCGGAGTCCGTGTTGTTGCCGTCGACTGAACTGGAAGGTGCGAAGGATGGTGCGTCT-3'
Protein context (NP_037407.4, residues 313-333): SVDGNNTDSE[Phe323=]EKGLKHKAKN